The following is an entry in ClinVar:

NM_022455.5(NSD1):c.4771C>T (p.His1591Tyr)

Gene: NSD1 (nuclear receptor binding SET domain protein 1; plus strand). Cytogenetic location: 5q35.3.
Variant type: single nucleotide variant.
Coding change: c.4771C>T on transcript NM_022455.5 (MANE Select); coding-DNA position 4771, C replaced by T.
Protein change: p.His1591Tyr; replaces histidine 1591 with tyrosine.
Molecular consequence: missense variant.
Genome position (GRCh38, 1-based): chr5:177,256,956, C>T. VCF-style: chr5-177256956-C-T. GRCh37 (hg19) VCF-style: chr5-176683957-C-T.
Other names: c.3898C>T, p.His1300Tyr (NM_001365684.2, NM_001409308.1, NM_001409309.1 and 1 more transcripts); c.4771C>T, p.His1591Tyr (NM_001409301.1, NM_001409302.1, NM_001409303.1); c.4351C>T, p.His1451Tyr (NM_001409304.1); c.4018C>T, p.His1340Tyr (NM_001409305.1); c.4009C>T, p.His1337Tyr (NM_001409306.1, NM_001409307.1); short protein forms H1322Y, H1591Y, H1337Y, H1340Y, H1451Y, H1300Y.
Identifiers: ClinVar variation 488392 (VCV000488392.4), dbSNP rs1554199368, ClinGen allele CA362354732.

ClinVar aggregate classification (germline): Pathogenic (1 of 4 stars; one submission).

Conditions:
Sotos syndrome (SOTOS). Also called: Sotos' syndrome; CHROMOSOME 5q35 DELETION SYNDROME; Distinctive facial appearance, overgrowth in childhood, and learning disabilities or delayed development; SOTOS SYNDROME 1; CEREBRAL GIGANTISM. Identifiers: Orphanet 821, MedGen C0175695, MONDO:0019349, OMIM 117550.

Submission:

Victorian Clinical Genetics Services, Murdoch Childrens Research Institute
Classification: Pathogenic for Sotos syndrome. Last evaluated: 2017-10-04. Review status: criteria provided, single submitter. Criteria: ACMG Guidelines, 2015. Collection method: clinical testing. Allele origin: unknown. Inheritance: Autosomal dominant inheritance. Affected: yes.
Comment: A heterozygous nonsense variant was identified, NM_022455.4(NSD1):c.3964C>T in exon 7 of the NSD1 gene. This nonsense variant is predicted to create a change of an arginine to a stop at amino acid position 1322, NP_071900.2(NSD1):p.(Arg1322*). This is predicted to result in loss of protein function through nonsense-mediated decay, with haploinsufficiency a reported mechanism of pathogenicity for this gene. This variant is not present in the gnomAD population database. It has been previously reported in patients with Sotos syndrome (ClinVar and Kamimura J. et al., (2003) and Tatton-Brown K. et al., (2005)). In addition, other truncating/frameshift variants downstream of c.3964C>T in the NSD1 gene have been reported as pathogenic in individuals with this condition (ClinVar). Based on current information, this variant has been classified as PATHOGENIC.